The following is an entry in ClinVar:

NM_006944.3(SPP2):c.583A>T (p.Arg195Ter)

Gene: SPP2 (secreted phosphoprotein 2; plus strand). Cytogenetic location: 2q37.1.
Variant type: single nucleotide variant.
Coding change: c.583A>T on transcript NM_006944.3 (MANE Select); coding-DNA position 583, A replaced by T.
Protein change: p.Arg195Ter; replaces arginine 195 with a stop codon.
Molecular consequence: nonsense.
Genome position (GRCh38, 1-based): chr2:234,069,960, A>T. VCF-style: chr2-234069960-A-T. GRCh37 (hg19) VCF-style: chr2-234978604-A-T.
Other names: short protein forms R195*.
Identifiers: ClinVar variation 1501990 (VCV001501990.6), dbSNP rs1294774034, ClinGen allele CA351106101.
Genomic context (GRCh38, chr2:234,069,960, plus strand): 5'-AGCCTATGCTTCCCTTTTCTATCTTTAGGGATCATGAGAAGGGTATTGCCTCCTGGAAAC[A>T]GAAGGTACCCAAACCACCGGCACAGAGCAAGAATAAATACTGACTTTGAGTAACGGCCTT-3'

ClinVar aggregate classification (germline): Uncertain significance (1 of 4 stars; one submission).

Allele frequency attached by ClinVar (database versions not stated): TOPMed below 0.00001.
gnomAD v4.1: 1 of 1,613,554 alleles (0.000062%); highest among the groups gnomAD compares: Non-Finnish European, 0.000085%; no homozygotes.

Submission:

Labcorp Genetics (formerly Invitae), Labcorp
Classification: Uncertain significance. Last evaluated: 2025-09-02. Review status: criteria provided, single submitter. Criteria: Invitae Variant Classification Sherloc (09022015). Collection method: clinical testing. Allele origin: germline.
Comment: This sequence change creates a premature translational stop signal (p.Arg195*) in the SPP2 gene. It is expected to result in an absent or disrupted protein product. However, the current clinical and genetic evidence is not sufficient to establish whether loss-of-function variants in SPP2 cause disease. This variant is not present in population databases (gnomAD no frequency). This variant has not been reported in the literature in individuals affected with SPP2-related conditions. ClinVar contains an entry for this variant (Variation ID: 1501990). In summary, the available evidence is currently insufficient to determine the role of this variant in disease. Therefore, it has been classified as a Variant of Uncertain Significance.